The following is an entry in ClinVar:

ClinVar aggregate classification (germline): Uncertain significance (1 of 4 stars; one submission).

Conditions:
Early-infantile DEE. Also called: Early infantile epileptic encephalopathy; Ohtahara syndrome; Early infantile epileptic encephalopathy with suppression bursts. Identifiers: Orphanet 1934, MedGen C0393706, MONDO:0800491.

Submission:

Labcorp Genetics (formerly Invitae), Labcorp
Classification: Uncertain significance for Early-infantile DEE. Last evaluated: 2024-07-15. Review status: criteria provided, single submitter. Criteria: Invitae Variant Classification Sherloc (09022015). Collection method: clinical testing. Allele origin: germline.
Comment: This sequence change replaces aspartic acid, which is acidic and polar, with histidine, which is basic and polar, at codon 695 of the SCN8A protein (p.Asp695His). This variant is not present in population databases (gnomAD no frequency). This variant has not been reported in the literature in individuals affected with SCN8A-related conditions. Advanced modeling of protein sequence and biophysical properties (such as structural, functional, and spatial information, amino acid conservation, physicochemical variation, residue mobility, and thermodynamic stability) performed at Invitae indicates that this missense variant is not expected to disrupt SCN8A protein function with a negative predictive value of 95%. In summary, the available evidence is currently insufficient to determine the role of this variant in disease. Therefore, it has been classified as a Variant of Uncertain Significance.

NM_001330260.2(SCN8A):c.2083G>C (p.Asp695His)

Gene: SCN8A (sodium voltage-gated channel alpha subunit 8; plus strand). Cytogenetic location: 12q13.13.
Variant type: single nucleotide variant.
Coding change: c.2083G>C on transcript NM_001330260.2 (MANE Select); coding-DNA position 2083, G replaced by C.
Protein change: p.Asp695His; replaces aspartic acid 695 with histidine.
Molecular consequence: missense variant.
Genome position (GRCh38, 1-based): chr12:51,745,987, G>C. VCF-style: chr12-51745987-G-C. GRCh37 (hg19) VCF-style: chr12-52139771-G-C.
Other names: c.2083G>C, p.Asp695His (NM_001177984.3, NM_001369788.1, NM_014191.4); short protein forms D695H.
Identifiers: ClinVar variation 3635188 (VCV003635188.2).
Genomic context (GRCh38, chr12:51,745,987, plus strand): 5'-AAGAAAGGCCCTGGATCTCTTTTAGTTTCCATGGACCAATTAGCCTCCTACGGGCGGAAG[G>C]ACAGAATCAACAGTATAATGAGTGTTGTTACAAATACACTAGTAGAAGGTATGTGCCCTA-3'
Protein context (NP_001317189.1, residues 685-705): MDQLASYGRK[Asp695His]RINSIMSVVT